The following is an entry in ClinVar:

NM_001393769.1(MED12L):c.2330A>T (p.His777Leu)

Genes: MED12L (mediator complex subunit 12L; plus strand), P2RY12 (purinergic receptor P2Y12; minus strand). Cytogenetic location: 3q25.1.
Variant type: single nucleotide variant.
Coding change: c.2330A>T on transcript NM_001393769.1 (MANE Select); coding-DNA position 2330, A replaced by T.
Protein change: p.His777Leu; replaces histidine 777 with leucine.
Molecular consequence: missense variant. On other transcripts: intron variant (1).
Genome position (GRCh38, 1-based): chr3:151,350,138, A>T. VCF-style: chr3-151350138-A-T. GRCh37 (hg19) VCF-style: chr3-151067926-A-T.
Other names: c.2225A>T, p.His742Leu (NM_053002.6); c.-179-9378T>A (NM_022788.5); short protein forms H742L, H777L.
Identifiers: ClinVar variation 4282324 (VCV004282324.1).

ClinVar aggregate classification (germline): Uncertain significance (1 of 4 stars; one submission).

Submission:

GeneDx
Classification: Uncertain significance. Last evaluated: 2025-04-18. Review status: criteria provided, single submitter. Criteria: GeneDx Variant Classification Process June 2021. Collection method: clinical testing. Allele origin: germline. Affected: yes.
Comment: Not observed at significant frequency in large population cohorts (gnomAD); In silico analysis supports that this missense variant has a deleterious effect on protein structure/function; Has not been previously published as pathogenic or benign to our knowledge